The following is an entry in ClinVar:

NM_005060.4(RORC):c.560C>G (p.Ser187Cys)

Gene: RORC (RAR related orphan receptor C; minus strand). Cytogenetic location: 1q21.3.
Variant type: single nucleotide variant.
Coding change: c.560C>G on transcript NM_005060.4 (MANE Select); coding-DNA position 560, C replaced by G.
Protein change: p.Ser187Cys; replaces serine 187 with cysteine.
Molecular consequence: missense variant.
Genome position (GRCh38, 1-based): chr1:151,815,164, G>C on the plus strand (C>G on the coding strand, the complement: RORC is on the minus strand). VCF-style: chr1-151815164-G-C. GRCh37 (hg19) VCF-style: chr1-151787640-G-C.
Other names: c.497C>G, p.Ser166Cys (LRG_1322t2, NM_001001523.2); c.560C>G, p.Ser187Cys (LRG_1322t1); short protein forms S187C, S166C.
Identifiers: ClinVar variation 644063 (VCV000644063.8), dbSNP rs749461528, ClinGen allele CA1095901.

ClinVar aggregate classification (germline): Uncertain significance. Review status: criteria provided, multiple submitters, no conflicts (2 of 4 stars). 2 submissions from 2 submitters: Uncertain significance (2). Last evaluated 2023-05-17.

Conditions:
Autosomal recessive mendelian susceptibility to mycobacterial diseases due to complete RORgamma receptor deficiency. Also called: Immunodeficiency 42. Identifiers: Orphanet 477857, MedGen C5567647, MONDO:0014710, OMIM 616622.
Inborn genetic diseases. Identifiers: MedGen C0950123, MeSH D030342.

Allele frequency attached by ClinVar (database versions not stated): ExAC 0.00001; gnomAD exomes 0.00001 and 0.00002; TOPMed 0.00001.
gnomAD v4.1: 15 of 1,613,984 alleles (0.00093%); highest among the groups gnomAD compares: Non-Finnish European, 0.0011%; no homozygotes.

Submissions (2):

Ambry Genetics
Classification: Uncertain significance for Inborn genetic diseases. Last evaluated: 2023-05-17. Review status: criteria provided, single submitter. Criteria: Ambry Variant Classification Scheme 2023. Collection method: clinical testing. Allele origin: germline.

Labcorp Genetics (formerly Invitae), Labcorp
Classification: Uncertain significance for Autosomal recessive mendelian susceptibility to mycobacterial diseases due to complete RORgamma receptor deficiency. Last evaluated: 2022-03-26. Review status: criteria provided, single submitter. Criteria: Invitae Variant Classification Sherloc (09022015). Collection method: clinical testing. Allele origin: germline.
Comment: In summary, the available evidence is currently insufficient to determine the role of this variant in disease. Therefore, it has been classified as a Variant of Uncertain Significance. Algorithms developed to predict the effect of missense changes on protein structure and function (SIFT, PolyPhen-2, Align-GVGD) all suggest that this variant is likely to be tolerated. ClinVar contains an entry for this variant (Variation ID: 644063). This variant has not been reported in the literature in individuals affected with RORC-related conditions. This variant is present in population databases (rs749461528, gnomAD 0.003%). This sequence change replaces serine, which is neutral and polar, with cysteine, which is neutral and slightly polar, at codon 187 of the RORC protein (p.Ser187Cys).